The following is an entry in ClinVar:

ClinVar aggregate classification (germline): Pathogenic (1 of 4 stars; one submission).

Conditions:
Deafness-lymphedema-leukemia syndrome. Also called: Lymphedema, primary, with myelodysplasia; Emberger syndrome. Identifiers: Orphanet 3226, MedGen C3279664, MONDO:0013540, OMIM 614038.
Monocytopenia with susceptibility to infections. Also called: Dendritic cell, monocyte, B lymphocyte, and natural killer lymphocyte deficiency; MONOCYTOPENIA AND MYCOBACTERIAL INFECTION SYNDROME; MONOCYTOPENIA WITH SUSCEPTIBILITY TO MYCOBACTERIAL, FUNGAL, AND PAPILLOMAVIRUS INFECTIONS AND MYELODYSPLASIA; COMBINED IMMUNODEFICIENCY WITH SUSCEPTIBILITY TO MYCOBACTERIAL, VIRAL, AND FUNGAL INFECTIONS; GATA2 DEFICIENCY; IMMUNODEFICIENCY 21. Identifiers: Orphanet 228423, MedGen C3280030, MONDO:0013607, OMIM 614172.

Submission:

Labcorp Genetics (formerly Invitae), Labcorp
Classification: Pathogenic for Monocytopenia with susceptibility to infections; Deafness-lymphedema-leukemia syndrome. Last evaluated: 2022-06-08. Review status: criteria provided, single submitter. Criteria: Invitae Variant Classification Sherloc (09022015). Collection method: clinical testing. Allele origin: germline.
Comment: For these reasons, this variant has been classified as Pathogenic. This variant has not been reported in the literature in individuals affected with GATA2-related conditions. This variant is not present in population databases (gnomAD no frequency). This sequence change creates a premature translational stop signal (p.Tyr252Profs*75) in the GATA2 gene. It is expected to result in an absent or disrupted protein product. Loss-of-function variants in GATA2 are known to be pathogenic (PMID: 21670465, 23223431).

Literature cited by the submitters: PubMed 21670465; PubMed 23223431.

NM_032638.5(GATA2):c.751_752dup (p.Tyr252fs)

Gene: GATA2 (GATA binding protein 2; minus strand). Cytogenetic location: 3q21.3.
Variant type: Duplication.
Coding change: c.751_752dup on transcript NM_032638.5 (MANE Select); coding-DNA positions 751 to 752, 2 bases duplicated (TC; older notation c.751_752dupTC).
Protein change: p.Tyr252fs; shifts the reading frame from tyrosine 252.
Molecular consequence: frameshift variant.
Genome position (GRCh38, 1-based): chr3:128,485,846-128,485,847, GA duplicated on the plus strand (TC on the coding strand, the reverse complement: GATA2 is on the minus strand); duplicating any 2 consecutive bases within chr3:128,485,846-128,485,848 gives the same sequence; the c. name uses the placement nearest the transcript's 3' end. VCF-style (leftmost placement, unchanged base first): chr3-128485845-G-GGA. GRCh37 (hg19) VCF-style: chr3-128204688-G-GGA.
Other names: c.751_752dup, p.Tyr252fs (NM_001145661.2, NM_001145662.1); short protein forms Y252fs.
Identifiers: ClinVar variation 1454317 (VCV001454317.6), dbSNP rs2107672019, ClinGen allele CA2573136503.
Genomic context (GRCh38, chr3:128,485,845, plus strand): 5'-CAGGAAGCCTCCGGGGTGGAAGAGTCCGCTGCTGTAGTCGTGGGCAGCCGCCGGCACATA[G>GGA]GAGGGGTAGGTGGGGATGGGGTGGTGTGTAGCAGGCTGGGTGCCCATAGTAGCTAGGCCT-3'